The following is an entry in ClinVar:

NC_000019.9:g.(?_29696226)_(29704059_?)del

Gene: UQCRFS1 (ubiquinol-cytochrome c reductase, Rieske iron-sulfur polypeptide 1; minus strand). Cytogenetic location: 19q12.
Variant type: Deletion.
Identifiers: ClinVar variation 2682253 (VCV002682253.1).

ClinVar aggregate classification (germline): Uncertain significance (1 of 4 stars; one submission).

Submission:

Women's Health and Genetics/Laboratory Corporation of America, LabCorp
Classification: Uncertain significance. Last evaluated: 2023-11-22. Review status: criteria provided, single submitter. Criteria: LabCorp Variant Classification Summary - May 2015. Collection method: clinical testing. Allele origin: germline.
Comment: Variant summary: The variant involves the deletion of exons 1-2 in the UQCRFS1 gene. A presumed nomenclature of c.(?_-34)_(*2229_?)del has been designated for the purposes of this classification. This deletion includes the entire coding sequence of the gene. As the exact proximal and distal breakpoints are unknown, it may extend beyond the annotated region of the gene to include other flanking genes. A large deletion (~1.1 Mbp) which encompasses the UQCRFS1 together with several other genes has been reported in 1 / 464297 alleles in the gnomAD database, CNVs 4.0 dataset. The available data on variant occurrences in the general population are insufficient to allow any conclusion about variant significance. To our knowledge, no occurrence of c.(?_-34)_(*2229_?)del in individuals affected with Mitochondrial Complex III Deficiency Nuclear Type 10 and no experimental evidence demonstrating its impact on protein function have been reported. However, a recent study reported two patients with biallelic variants in the UQCRFS1 gene, demonstrating decreased levels of the UQCRFS1 protein with impaired mitochondrial respiration in patient fibroblasts, where transfection of the wild-type UQCRFS1 could rescue the defects (PMID 31883641); these data suggest that loss of function variants in the UQCRFS1 gene could be associated with disease. No submitters have cited clinical-significance assessments for this variant to ClinVar after 2014. Based on the evidence outlined above, the variant was classified as VUS-possibly pathogenic.